The following is an entry in ClinVar:

NM_004444.5(EPHB4):c.2735_2736del (p.Val912fs)

Gene: EPHB4 (EPH receptor B4; minus strand). Cytogenetic location: 7q22.1.
Variant type: Microsatellite.
Coding change: c.2735_2736del on transcript NM_004444.5 (MANE Select); coding-DNA positions 2735 to 2736, 2 bases deleted (TG; older notation c.2735_2736delTG).
Protein change: p.Val912fs; shifts the reading frame from valine 912.
Molecular consequence: frameshift variant.
Genome position (GRCh38, 1-based): chr7:100,805,264-100,805,265, CA deleted on the plus strand (TG on the coding strand, the reverse complement: EPHB4 is on the minus strand); deleting any 2 consecutive bases within chr7:100,805,264-100,805,267 gives the same sequence; the c. name uses the placement nearest the transcript's 3' end. VCF-style (leftmost placement, unchanged base first): chr7-100805263-CCA-C. GRCh37 (hg19) VCF-style: chr7-100402885-CCA-C.
Other names: short protein forms V912fs.
Identifiers: ClinVar variation 4294538 (VCV004294538.1).

ClinVar aggregate classification (germline): Likely pathogenic (1 of 4 stars; one submission).

Conditions:
Capillary malformation-arteriovenous malformation 2 (CMAVM2). Identifiers: Orphanet 693912, MedGen C4748670, MONDO:0020785, OMIM 618196.

Submission:

Molecular Genetics Department, Kulakov National Medical Research Center for Obstetrics, Gynecology and Perinatology
Classification: Likely pathogenic for Capillary malformation-arteriovenous malformation 2. Review status: criteria provided, single submitter. Criteria: ACMG Guidelines, 2015. Collection method: clinical testing. Allele origin: germline. Affected: yes. Observed: 1 variant allele.
Comment: A previously undescribed heterozygous nucleotide variant creates a frameshift p.Val912GlyfsTer33 in the EPHB4 gene. Heterozygous variants are reported in patients with capillary malformation-arteriovenous malformation 2, 618196. The variant is not present in population database (gnomAD no frequency). In summary, the currently available evidence indicates that the variant is pathogenic, but additional data are needed to prove that conclusively. Therefore, this variant has been classified as likely pathogenic.